The following is an entry in ClinVar:

ClinVar aggregate classification (germline): Pathogenic (1 of 4 stars; one submission).

Conditions:
Inborn genetic diseases. Identifiers: MedGen C0950123, MeSH D030342.

Submission:

Ambry Genetics
Classification: Pathogenic for Inborn genetic diseases. Last evaluated: 2024-08-14. Review status: criteria provided, single submitter. Criteria: Ambry Variant Classification Scheme 2023. Collection method: clinical testing. Allele origin: germline.
Comment: The c.1538delG (p.R513Kfs*3) alteration, located in exon 14 (coding exon 12) of the SETD5 gene, consists of a deletion of one nucleotide at position 1538, causing a translational frameshift with a predicted alternate stop codon after 3 amino acids. This alteration is expected to result in loss of function by premature protein truncation or nonsense-mediated mRNA decay. This variant was not reported in population-based cohorts in the Genome Aggregation Database (gnomAD). Based on the available evidence, this alteration is classified as pathogenic.

NM_001080517.3(SETD5):c.1538del (p.Arg513fs)

Gene: SETD5 (SET domain containing 5; plus strand). Cytogenetic location: 3p25.3.
Variant type: Deletion.
Coding change: c.1538del on transcript NM_001080517.3 (MANE Select); coding-DNA position 1538, one base deleted (G; older notation c.1538delG).
Protein change: p.Arg513fs; shifts the reading frame from arginine 513.
Molecular consequence: frameshift variant.
Genome position (GRCh38, 1-based): chr3:9,447,063, G deleted. VCF-style (leftmost placement, unchanged base first): chr3-9447062-AG-A. GRCh37 (hg19) VCF-style: chr3-9488746-AG-A.
Other names: c.1244del, p.Arg415fs (NM_001292043.2, NM_001349451.2); short protein forms R415fs, R513fs.
Identifiers: ClinVar variation 3440222 (VCV003440222.1).
Genomic context (GRCh38, chr3:9,447,062, plus strand): 5'-TCGTCCTCATTTGAAGCTTCCTTCTACACCAGTACTATCTCTTTCTAGACCAGGGAAGAT[AG>A]AAAGGTAGAAGCCATCATGCATGCTTTTGAAAACTTAGAGAAAAGAAAGAAGCGGCGGGA-3'